The following is an entry in ClinVar:

ClinVar aggregate classification (germline): Benign (1 of 4 stars; one submission).

Allele frequency attached by ClinVar (database versions not stated): 1000 Genomes Project 30x 0.68676; 1000 Genomes Project 0.68850; TOPMed 0.73049; gnomAD 0.74810 and 0.74949.

Submission:

GeneDx
Classification: Benign. Last evaluated: 2018-06-19. Review status: criteria provided, single submitter. Criteria: GeneDx Variant Classification (06012015). Collection method: clinical testing. Allele origin: germline. Affected: yes.
Comment: This variant is considered likely benign or benign based on one or more of the following criteria: it is a conservative change, it occurs at a poorly conserved position in the protein, it is predicted to be benign by multiple in silico algorithms, and/or has population frequency not consistent with disease.

NM_006059.4(LAMC3):c.2593+297A>C

Gene: LAMC3 (laminin subunit gamma 3; plus strand). Cytogenetic location: 9q34.12.
Variant type: single nucleotide variant.
Coding change: c.2593+297A>C on transcript NM_006059.4 (MANE Select); 297 bases into the intron after coding-DNA position 2593, A replaced by C.
Molecular consequence: intron variant.
Genome position (GRCh38, 1-based): chr9:131,067,502, A>C. VCF-style: chr9-131067502-A-C. GRCh37 (hg19) VCF-style: chr9-133942889-A-C.
Identifiers: ClinVar variation 684036 (VCV000684036.1), dbSNP rs12553527, ClinGen allele CA13021005.
Genomic context (GRCh38, chr9:131,067,502, plus strand): 5'-GCCTGGATTGTCTAGTGCTTACCTCCCACTCTGCAGTCAGCACGTATGGCTGACCCGGTG[A>C]TCGCCCTGCGCCGGGTCTCCATGGCCATGCCTCCCCTCATCACCTCAGTTAACACTCAGC-3'